The following is an entry in ClinVar:

ClinVar aggregate classification (germline): Uncertain significance. Review status: criteria provided, multiple submitters, no conflicts (2 of 4 stars). 6 submissions from 6 submitters: Uncertain significance (4). 2 of the submissions do not count toward it. Last evaluated 2025-12-17.

Conditions:
Inborn genetic diseases. Identifiers: MedGen C0950123, MeSH D030342.
TNFRSF11A-related disorder. Also called: TNFRSF11A-related condition.

Allele frequency attached by ClinVar (database versions not stated): TOPMed 0.00015.
gnomAD v4.1: 357 of 1,594,986 alleles (0.022%); highest among the groups gnomAD compares: Admixed American, 0.04%; no homozygotes.

Submissions (6):

Labcorp Genetics (formerly Invitae), Labcorp
Classification: Uncertain significance. Last evaluated: 2025-12-17. Review status: criteria provided, single submitter. Criteria: Invitae Variant Classification Sherloc (09022015). Collection method: clinical testing. Allele origin: germline.
Comment: This sequence change replaces methionine, which is neutral and non-polar, with leucine, which is neutral and non-polar, at codon 566 of the TNFRSF11A protein (p.Met566Leu). This variant is present in population databases (rs781554550, gnomAD 0.02%). This variant has not been reported in the literature in individuals affected with TNFRSF11A-related conditions. ClinVar contains an entry for this variant (Variation ID: 593949). An algorithm developed to predict the effect of missense changes on protein structure and function (PolyPhen-2) suggests that this variant is likely to be tolerated. In summary, the available evidence is currently insufficient to determine the role of this variant in disease. Therefore, it has been classified as a Variant of Uncertain Significance.

Ambry Genetics
Classification: Uncertain significance for Inborn genetic diseases. Last evaluated: 2021-01-13. Review status: criteria provided, single submitter. Criteria: Ambry Variant Classification Scheme 2023. Collection method: clinical testing. Allele origin: germline.

GeneDx
Classification: Uncertain significance. Last evaluated: 2019-04-03. Review status: criteria provided, single submitter. Criteria: GeneDx Variant Classification Process June 2021. Collection method: clinical testing. Allele origin: germline. Affected: yes.
Comment: In silico analysis, which includes protein predictors and evolutionary conservation, supports that this variant does not alter protein structure/function; Has not been previously published as pathogenic or benign to our knowledge

Eurofins Ntd Llc (ga)
Classification: Uncertain significance. Last evaluated: 2017-09-26. Review status: criteria provided, single submitter. Criteria: EGL Classification Definitions 2015. Collection method: clinical testing. Allele origin: germline. Observed: 2 variant alleles, 2 heterozygotes.

PreventionGenetics, part of Exact Sciences
Classification: Uncertain significance for TNFRSF11A-related condition. Last evaluated: 2024-01-03. Review status: no assertion criteria provided. Collection method: clinical testing. Allele origin: germline. Not counted in ClinVar's aggregate classification.
Comment: The TNFRSF11A c.1696A>T variant is predicted to result in the amino acid substitution p.Met566Leu. To our knowledge, this variant has not been reported in the literature. This variant is reported in 0.022% of alleles in individuals of Latino descent in gnomAD. At this time, the clinical significance of this variant is uncertain due to the absence of conclusive functional and genetic evidence.

Department of Pathology and Laboratory Medicine, Sinai Health System
Classification: Uncertain significance. Review status: no assertion criteria provided. Collection method: clinical testing. Allele origin: unknown. Affected: yes. Study: The Canadian Open Genetics Repository (COGR). Not counted in ClinVar's aggregate classification.
Comment: Â¬â€ The TNFRSF11A p.M566L variant was not identified in the literature, however it was identified in dbSNP (ID: rs781554550) and in ClinVar (classified as uncertain significance by EGL Genetic Diagnostics). The variant was identified in control databases in 27 of 241218 chromosomes at a frequency of 0.0001119 (Genome Aggregation Database March 6, 2019, v2.1.1). The variant was observed in the following populations: Latino in 7 of 31786 chromosomes (freq: 0.00022) and European (non-Finnish) in 20 of 106464 chromosomes (freq: 0.000188), but was not observed in the African, Ashkenazi Jewish, East Asian, European (Finnish), Other, or South Asian populations. The p.M566 residue is not conserved in mammals and computational analyses (PolyPhen-2, SIFT, MutationTaster, Revel, FATHMM, MetaLR, DANN) do not suggest a high likelihood of impact to the protein; however, this information is not predictive enough to rule out pathogenicity. The variant occurs outside of the splicing consensus sequence and in silico or computational prediction software programs (Splice AI exome) do not predict a difference in splicing. In summary, based on the above information the clinical significance of this variant cannot be determined with certainty at this time. This variant is classified as a variant of uncertain significance.

NM_003839.4(TNFRSF11A):c.1696A>T (p.Met566Leu)

Gene: TNFRSF11A (TNF receptor superfamily member 11a; plus strand). Cytogenetic location: 18q21.33.
Variant type: single nucleotide variant.
Coding change: c.1696A>T on transcript NM_003839.4 (MANE Select); coding-DNA position 1696, A replaced by T.
Protein change: p.Met566Leu; replaces methionine 566 with leucine.
Molecular consequence: missense variant. On other transcripts: 3 prime UTR variant (1).
Genome position (GRCh38, 1-based): chr18:62,384,879, A>T. VCF-style: chr18-62384879-A-T. GRCh37 (hg19) VCF-style: chr18-60052112-A-T.
Other names: c.1696A>T (NM_003839.3); c.*120A>T (NM_001270949.2); c.859A>T, p.Met287Leu (NM_001270950.2); c.745A>T, p.Met249Leu (NM_001270951.2); c.1654A>T, p.Met552Leu (NM_001278268.2); short protein forms M566L, M249L, M552L, M287L.
Identifiers: ClinVar variation 593949 (VCV000593949.16), dbSNP rs781554550, ClinGen allele CA8984035.